The following is an entry in ClinVar:

ClinVar aggregate classification (germline): Uncertain significance. Review status: criteria provided, multiple submitters, no conflicts (2 of 4 stars). 2 submissions from 2 submitters: Uncertain significance (2). Last evaluated 2025-11-24.

Allele frequency attached by ClinVar (database versions not stated): gnomAD exomes below 0.00001; gnomAD 0.00002 and 0.00003; TOPMed 0.00002; 1000 Genomes Project 30x 0.00016; 1000 Genomes Project 0.00020.
gnomAD v4.1: 8 of 1,554,338 alleles (0.00051%); highest among the groups gnomAD compares: Non-Finnish European, 0.00061%; no homozygotes.

Submissions (2):

Ambry Genetics
Classification: Uncertain significance. Last evaluated: 2025-11-24. Review status: criteria provided, single submitter. Criteria: Ambry Variant Classification Scheme 2023. Collection method: clinical testing. Allele origin: germline.

Labcorp Genetics (formerly Invitae), Labcorp
Classification: Uncertain significance. Last evaluated: 2025-09-07. Review status: criteria provided, single submitter. Criteria: Invitae Variant Classification Sherloc (09022015). Collection method: clinical testing. Allele origin: germline.
Comment: This sequence change replaces phenylalanine, which is neutral and non-polar, with leucine, which is neutral and non-polar, at codon 12 of the IRF4 protein (p.Phe12Leu). This variant is not present in population databases (gnomAD no frequency). This variant has not been reported in the literature in individuals affected with IRF4-related conditions. ClinVar contains an entry for this variant (Variation ID: 1351821). An algorithm developed to predict the effect of missense changes on protein structure and function (PolyPhen-2) suggests that this variant is likely to be disruptive. In summary, the available evidence is currently insufficient to determine the role of this variant in disease. Therefore, it has been classified as a Variant of Uncertain Significance.

NM_002460.4(IRF4):c.36C>G (p.Phe12Leu)

Gene: IRF4 (interferon regulatory factor 4; plus strand). Cytogenetic location: 6p25.3.
Variant type: single nucleotide variant.
Coding change: c.36C>G on transcript NM_002460.4 (MANE Select); coding-DNA position 36, C replaced by G.
Protein change: p.Phe12Leu; replaces phenylalanine 12 with leucine.
Molecular consequence: missense variant. On other transcripts: non-coding transcript variant (1).
Genome position (GRCh38, 1-based): chr6:393,188, C>G. VCF-style: chr6-393188-C-G. GRCh37 (hg19) VCF-style: chr6-393188-C-G.
Other names: c.36C>G, p.Phe12Leu (NM_001195286.2); c.36C>G (NM_002460.3); short protein forms F12L.
Identifiers: ClinVar variation 1351821 (VCV001351821.9), dbSNP rs546956488, ClinGen allele CA133329015.